The following is an entry in ClinVar:

ClinVar aggregate classification (germline): Uncertain significance. Review status: criteria provided, single submitter (1 of 4 stars). 2 submissions from 2 submitters: Uncertain significance (1). 1 of the submissions does not count toward it. Last evaluated 2022-05-09.

Conditions:
TUB-related disorder. Also called: TUB-related condition.

Allele frequency attached by ClinVar (database versions not stated): TOPMed 0.00008; gnomAD exomes 0.00001; ExAC 0.00003; gnomAD 0.00006.
gnomAD v4.1: 14 of 1,541,034 alleles (0.00091%); highest among the groups gnomAD compares: Admixed American, 0.027%; no homozygotes.

Submissions (2):

Labcorp Genetics (formerly Invitae), Labcorp
Classification: Uncertain significance. Last evaluated: 2022-05-09. Review status: criteria provided, single submitter. Criteria: Invitae Variant Classification Sherloc (09022015). Collection method: clinical testing. Allele origin: germline.
Comment: In summary, the available evidence is currently insufficient to determine the role of this variant in disease. Therefore, it has been classified as a Variant of Uncertain Significance. Algorithms developed to predict the effect of missense changes on protein structure and function output the following: SIFT: "Tolerated"; PolyPhen-2: "Benign"; Align-GVGD: "Class C0". The aspartic acid amino acid residue is found in multiple mammalian species, which suggests that this missense change does not adversely affect protein function. This variant has not been reported in the literature in individuals affected with TUB-related conditions. This variant is present in population databases (rs755575998, gnomAD 0.02%). This sequence change replaces glutamic acid, which is acidic and polar, with aspartic acid, which is acidic and polar, at codon 62 of the TUB protein (p.Glu62Asp).

PreventionGenetics, part of Exact Sciences
Classification: Uncertain significance for TUB-related condition. Last evaluated: 2024-05-30. Review status: no assertion criteria provided. Collection method: clinical testing. Allele origin: germline. Not counted in ClinVar's aggregate classification.
Comment: The TUB c.186A>T variant is predicted to result in the amino acid substitution p.Glu62Asp. To our knowledge, this variant has not been reported in the literature. This variant is reported in 0.016% of alleles in individuals of Latino descent in gnomAD. At this time, the clinical significance of this variant is uncertain due to the absence of conclusive functional and genetic evidence.

NM_003320.5(TUB):c.186A>T (p.Glu62Asp)

Gene: TUB (TUB bipartite transcription factor; plus strand). Cytogenetic location: 11p15.4.
Variant type: single nucleotide variant.
Coding change: c.186A>T on transcript NM_003320.5; coding-DNA position 186, A replaced by T.
Protein change: p.Glu62Asp; replaces glutamic acid 62 with aspartic acid.
Molecular consequence: missense variant. On other transcripts: intron variant (4).
Genome position (GRCh38, 1-based): chr11:8,039,675, A>T. VCF-style: chr11-8039675-A-T. GRCh37 (hg19) VCF-style: chr11-8061222-A-T.
Other names: c.56+20317A>T (NM_001440538.1, NM_001440539.1, NM_001440540.1 and 1 more transcripts); short protein forms E62D.
Identifiers: ClinVar variation 1964874 (VCV001964874.6), dbSNP rs755575998, ClinGen allele CA5870855.